The following is an entry in ClinVar:

ClinVar aggregate classification (germline): Pathogenic (1 of 4 stars; one submission).

Conditions:
KBG syndrome (KBGS). Also called: ANKRD11-Related KBG Syndrome. Identifiers: Orphanet 2332, MedGen C0220687, MONDO:0007846, OMIM 148050.

Submission:

Dubai Health Genomic Medicine Center, Dubai Health
Classification: Pathogenic for KBG syndrome. Last evaluated: 2024-10-04. Review status: criteria provided, single submitter. Criteria: ACMG Guidelines, 2015. Collection method: research. Allele origin: germline. Affected: yes.
Comment: PVS1,PM6 (strong),PM2

NM_013275.6(ANKRD11):c.6360G>A (p.Trp2120Ter)

Gene: ANKRD11 (ankyrin repeat domain 11; minus strand). Cytogenetic location: 16q24.3.
Variant type: single nucleotide variant.
Coding change: c.6360G>A on transcript NM_013275.6 (MANE Select); coding-DNA position 6360, G replaced by A.
Protein change: p.Trp2120Ter; replaces tryptophan 2120 with a stop codon.
Molecular consequence: nonsense.
Genome position (GRCh38, 1-based): chr16:89,280,182, C>T on the plus strand (G>A on the coding strand, the complement: ANKRD11 is on the minus strand). VCF-style: chr16-89280182-C-T. GRCh37 (hg19) VCF-style: chr16-89346590-C-T.
Other names: c.6360G>A, p.Trp2120Ter (NM_001256182.2, NM_001256183.2); short protein forms W2120*.
Identifiers: ClinVar variation 3384013 (VCV003384013.1).